The following is an entry in ClinVar:

NM_000392.5(ABCC2):c.3834G>A (p.Val1278=)

Gene: ABCC2 (ATP binding cassette subfamily C member 2; plus strand). Cytogenetic location: 10q24.2.
Variant type: single nucleotide variant.
Coding change: c.3834G>A on transcript NM_000392.5 (MANE Select); coding-DNA position 3834, G replaced by A.
Protein change: p.Val1278=; no amino-acid change (valine 1278 retained).
Molecular consequence: synonymous variant.
Genome position (GRCh38, 1-based): chr10:99,843,891, G>A. VCF-style: chr10-99843891-G-A. GRCh37 (hg19) VCF-style: chr10-101603648-G-A.
Other names: c.3834G>A (NM_000392.4); c.3834G>A, p.Val1278= (LRG_1208t1).
Identifiers: ClinVar variation 595823 (VCV000595823.14), dbSNP rs150472537, ClinGen allele CA5643956.

ClinVar aggregate classification (germline): Conflicting classifications of pathogenicity. Review status: criteria provided, conflicting classifications (1 of 4 stars). 4 submissions from 4 submitters: Uncertain significance (2); Likely benign (2). Last evaluated 2025-10-11.

Conditions:
Dubin-Johnson syndrome (DJS). Also called: Hyperbilirubinemia type 2; Jaundice, Chronic Idiopathic; HYPERBILIRUBINEMIA, DUBIN-JOHNSON TYPE. Identifiers: Orphanet 234, MedGen C0022350, MONDO:0009380, OMIM 237500.
ABCC2-related disorder. Also called: ABCC2-related condition.

Allele frequency attached by ClinVar (database versions not stated): TOPMed 0.00008; gnomAD 0.00009 and 0.00011; gnomAD exomes 0.00011 and 0.00014; 1000 Genomes Project 30x 0.00016; ExAC 0.00017; 1000 Genomes Project 0.00020; ESP Exome Variant Server 0.00023.
gnomAD v4.1: 177 of 1,613,776 alleles (0.011%); highest among the groups gnomAD compares: South Asian, 0.056%; no homozygotes.

Submissions (4):

Labcorp Genetics (formerly Invitae), Labcorp
Classification: Likely benign. Last evaluated: 2025-10-11. Review status: criteria provided, single submitter. Criteria: Invitae Variant Classification Sherloc (09022015). Collection method: clinical testing. Allele origin: germline.

PreventionGenetics, part of Exact Sciences
Classification: Likely benign for ABCC2-related condition. Last evaluated: 2025-02-13. Review status: criteria provided, single submitter. Criteria: ACMG Guidelines, 2015. Collection method: clinical testing. Allele origin: germline.
Comment: This variant is classified as likely benign based on ACMG/AMP sequence variant interpretation guidelines (Richards et al. 2015 PMID: 25741868, with internal and published modifications).

Eurofins Ntd Llc (ga)
Classification: Uncertain significance. Last evaluated: 2018-01-30. Review status: criteria provided, single submitter. Criteria: EGL Classification Definitions 2015. Collection method: clinical testing. Allele origin: germline. Observed: 1 variant allele, 1 heterozygote.

Illumina Laboratory Services, Illumina
Classification: Uncertain significance for Dubin-Johnson syndrome. Last evaluated: 2018-01-12. Review status: criteria provided, single submitter. Criteria: ICSL Variant Classification Criteria 13 December 2019. Collection method: clinical testing. Allele origin: germline.